The following is an entry in ClinVar:

ClinVar aggregate classification (germline): Uncertain significance (1 of 4 stars; one submission).

Submission:

GeneDx
Classification: Uncertain significance. Last evaluated: 2025-03-12. Review status: criteria provided, single submitter. Criteria: GeneDx Variant Classification Process June 2021. Collection method: clinical testing. Allele origin: germline. Affected: yes.
Comment: Not observed at significant frequency in large population cohorts (gnomAD); Canonical splice site variant in a gene for which loss-of-function is not a known mechanism of disease; Has not been previously published as pathogenic or benign to our knowledge

NM_001281775.3(ZMYND8):c.661-2A>T

Gene: ZMYND8 (zinc finger MYND-type containing 8; minus strand). Cytogenetic location: 20q13.12.
Variant type: single nucleotide variant.
Coding change: c.661-2A>T on transcript NM_001281775.3 (MANE Select); the canonical splice acceptor site of the intron before coding-DNA position 661, A replaced by T.
Molecular consequence: splice acceptor variant.
Genome position (GRCh38, 1-based): chr20:47,290,276, T>A on the plus strand (A>T on the coding strand, the complement: ZMYND8 is on the minus strand). VCF-style: chr20-47290276-T-A. GRCh37 (hg19) VCF-style: chr20-45919020-T-A.
Other names: c.586-2A>T (NM_001281781.3, NM_001281784.3, NM_001281771.3 and 4 more transcripts); c.661-2A>T (NM_001281776.3, NM_012408.6, NM_183047.4 and 1 more transcripts); c.-275-2A>T (NM_001281780.3, NM_001281779.3); c.601-2A>T (NM_001281774.3, NM_001281773.3, NM_001281772.3 and 1 more transcripts); c.682-2A>T (NM_001363714.1).
Identifiers: ClinVar variation 4083273 (VCV004083273.1).